The following is an entry in ClinVar:

ClinVar aggregate classification (germline): Uncertain significance. Review status: criteria provided, multiple submitters, no conflicts (2 of 4 stars). 2 submissions from 2 submitters: Uncertain significance (2). Last evaluated 2023-02-14.

Allele frequency attached by ClinVar (database versions not stated): gnomAD exomes below 0.00001 and 0.00002; ExAC 0.00001; gnomAD 0.00001; TOPMed 0.00002.
gnomAD v4.1: 25 of 1,612,874 alleles (0.0016%); highest among the groups gnomAD compares: Non-Finnish European, 0.0021%; no homozygotes.

Submissions (2):

Labcorp Genetics (formerly Invitae), Labcorp
Classification: Uncertain significance. Last evaluated: 2023-02-14. Review status: criteria provided, single submitter. Criteria: Invitae Variant Classification Sherloc (09022015). Collection method: clinical testing. Allele origin: germline.
Comment: In summary, the available evidence is currently insufficient to determine the role of this variant in disease. Therefore, it has been classified as a Variant of Uncertain Significance. Algorithms developed to predict the effect of missense changes on protein structure and function (SIFT, PolyPhen-2, Align-GVGD) all suggest that this variant is likely to be tolerated. ClinVar contains an entry for this variant (Variation ID: 929897). This variant has not been reported in the literature in individuals affected with EDNRB-related conditions. The frequency data for this variant in the population databases is considered unreliable, as metrics indicate poor data quality at this position in the gnomAD database. This sequence change replaces serine, which is neutral and polar, with glycine, which is neutral and non-polar, at codon 250 of the EDNRB protein (p.Ser250Gly).

Laboratory for Molecular Medicine, Mass General Brigham Personalized Medicine
Classification: Uncertain significance. Last evaluated: 2020-03-20. Review status: criteria provided, single submitter. Criteria: LMM Criteria. Collection method: clinical testing. Allele origin: germline. Observed: 1 variant allele.
Comment: The p.Ser340Gly variant in EDNRB has not been previously reported in individuals with hearing loss or Waardenburg syndrome. It has been identified in 0.001% (2/128852) of European chromosomes by gnomAD. Computational prediction tools and conservation analysis suggest that this variant may not impact the protein, though this information is not predictive enough to rule out pathogenicity. In summary, the clinical significance of this variant is uncertain. ACMG/AMP Criteria applied: PM2, BP4.

NM_001122659.3(EDNRB):c.748A>G (p.Ser250Gly)

Genes: EDNRB (endothelin receptor type B; minus strand), EDNRB-AS1 (EDNRB antisense RNA 1; plus strand). Cytogenetic location: 13q22.3.
Variant type: single nucleotide variant.
Coding change: c.748A>G on transcript NM_001122659.3 (MANE Select); coding-DNA position 748, A replaced by G.
Protein change: p.Ser250Gly; replaces serine 250 with glycine.
Molecular consequence: missense variant.
Genome position (GRCh38, 1-based): chr13:77,903,209, T>C on the plus strand (A>G on the coding strand, the complement: EDNRB is on the minus strand). VCF-style: chr13-77903209-T-C. GRCh37 (hg19) VCF-style: chr13-78477344-T-C.
Other names: c.748A>G, p.Ser250Gly (NM_000115.5, NM_003991.4); c.1018A>G, p.Ser340Gly (NM_001201397.2); short protein forms S340G, S250G.
Identifiers: ClinVar variation 929897 (VCV000929897.7), dbSNP rs199521140, ClinGen allele CA7012272.
Genomic context (GRCh38, chr13:77,903,209, plus strand): 5'-AATTTACCTGCATGAAAGCTGTCTTCTGAACGGGATGAAGCAAGCAGATTCGCAGATAAC[T>C]TCCTTTGTAGTCCATCGTAATTATATCAAAACCTATGGCTTCAGGGACAGCCAGAACCAC-3'
Protein context (NP_001116131.1, residues 240-260): FDIITMDYKG[Ser250Gly]YLRICLLHPV